The following is an entry in ClinVar:

NM_003001.5(SDHC):c.269T>C (p.Leu90Pro)

Gene: SDHC (succinate dehydrogenase complex subunit C; plus strand). Cytogenetic location: 1q23.3.
Variant type: single nucleotide variant.
Coding change: c.269T>C on transcript NM_003001.5 (MANE Select); coding-DNA position 269, T replaced by C.
Protein change: p.Leu90Pro; replaces leucine 90 with proline.
Molecular consequence: missense variant. On other transcripts: non-coding transcript variant (1), intron variant (3).
Genome position (GRCh38, 1-based): chr1:161,356,704, T>C. VCF-style: chr1-161356704-T-C. GRCh37 (hg19) VCF-style: chr1-161326494-T-C.
Other names: c.242-5625T>C (NM_001035511.3); c.140-5625T>C (NM_001278172.3); c.185-5625T>C (NM_001407121.1); c.167T>C, p.Leu56Pro (NM_001035512.3); c.110T>C, p.Leu37Pro (NM_001035513.3); c.389T>C, p.Leu130Pro (NM_001407115.1); c.212T>C, p.Leu71Pro (NM_001407116.1); c.206T>C, p.Leu69Pro (NM_001407117.1); and 2 more; short protein forms L71P, L90P, L37P, L130P, L53P, L54P, L56P, L69P.
Identifiers: ClinVar variation 5029297 (VCV005029297.1).

ClinVar aggregate classification (germline): Uncertain significance (1 of 4 stars; one submission).

Conditions:
Hereditary cancer-predisposing syndrome. Also called: Neoplastic Syndromes, Hereditary; Tumor predisposition; Hereditary neoplastic syndrome; Hereditary Cancer Syndrome. Identifiers: Orphanet 140162, MedGen C0027672, MeSH D009386, MONDO:0015356.

Submission:

Ambry Genetics
Classification: Uncertain significance for Hereditary cancer-predisposing syndrome. Last evaluated: 2026-07-02. Review status: criteria provided, single submitter. Criteria: Ambry Variant Classification Scheme 2023. Collection method: clinical testing. Allele origin: germline.
Comment: The p.L90P variant (also known as c.269T>C), located in coding exon 5 of the SDHC gene, results from a T to C substitution at nucleotide position 269. The leucine at codon 90 is replaced by proline, an amino acid with similar properties. This amino acid position is conserved. In addition, this alteration is predicted to be deleterious by in silico analysis. Based on the available evidence, the clinical significance of this variant remains unclear.